The following is an entry in ClinVar:

NM_004836.7(EIF2AK3):c.1763+2dup

Gene: EIF2AK3 (eukaryotic translation initiation factor 2 alpha kinase 3; minus strand). Cytogenetic location: 2p11.2.
Variant type: Duplication.
Coding change: c.1763+2dup on transcript NM_004836.7 (MANE Select); the canonical splice donor site of the intron after coding-DNA position 1763, one base duplicated (T; older notation c.1763+2dupT).
Molecular consequence: splice donor variant.
Genome position (GRCh38, 1-based): chr2:88,583,428, A duplicated on the plus strand (T on the coding strand, the reverse complement: EIF2AK3 is on the minus strand). VCF-style (leftmost placement, unchanged base first): chr2-88583427-T-TA. GRCh37 (hg19) VCF-style: chr2-88882945-T-TA.
Other names: c.1310+2dup (NM_001313915.2).
Identifiers: ClinVar variation 2126497 (VCV002126497.4), dbSNP rs2529148702, ClinGen allele CA2580068295.

ClinVar aggregate classification (germline): Uncertain significance (1 of 4 stars; one submission).

Submission:

Labcorp Genetics (formerly Invitae), Labcorp
Classification: Uncertain significance. Last evaluated: 2022-04-15. Review status: criteria provided, single submitter. Criteria: Invitae Variant Classification Sherloc (09022015). Collection method: clinical testing. Allele origin: germline.
Comment: In summary, the available evidence is currently insufficient to determine the role of this variant in disease. Therefore, it has been classified as a Variant of Uncertain Significance. Variants that disrupt the consensus splice site are a relatively common cause of aberrant splicing (PMID: 17576681, 9536098). Algorithms developed to predict the effect of sequence changes on RNA splicing suggest that this variant may disrupt the consensus splice site. This variant has not been reported in the literature in individuals affected with EIF2AK3-related conditions. This variant is not present in population databases (gnomAD no frequency). This sequence change falls in intron 10 of the EIF2AK3 gene. It does not directly change the encoded amino acid sequence of the EIF2AK3 protein. It affects a nucleotide within the consensus splice site.

Literature cited by the submitters: PubMed 17576681; PubMed 9536098.